The following is an entry in ClinVar:

NM_206926.2(SELENON):c.436-1G>C

Gene: SELENON (selenoprotein N; plus strand). Cytogenetic location: 1p36.11.
Variant type: single nucleotide variant.
Coding change: c.436-1G>C on transcript NM_206926.2 (MANE Select); the canonical splice acceptor site of the intron before coding-DNA position 436, G replaced by C.
Molecular consequence: splice acceptor variant.
Genome position (GRCh38, 1-based): chr1:25,808,579, G>C. VCF-style: chr1-25808579-G-C. GRCh37 (hg19) VCF-style: chr1-26135070-G-C.
Other names: c.538-1G>C (NM_020451.3).
Identifiers: ClinVar variation 1067866 (VCV001067866.7), dbSNP rs2047928865, ClinGen allele CA339111339.

ClinVar aggregate classification (germline): Likely pathogenic (1 of 4 stars; one submission).

Conditions:
Eichsfeld type congenital muscular dystrophy (CMYO3). Also called: Rigid spine muscular dystrophy 1; MYOPATHY, SEPN1-RELATED; SELENON-related myopathy; Congenital myopathy 3 with rigid spine. Identifiers: MedGen C0410180, MONDO:0100100, OMIM 602771.

Submission:

Labcorp Genetics (formerly Invitae), Labcorp
Classification: Likely pathogenic for Eichsfeld type congenital muscular dystrophy. Last evaluated: 2020-06-13. Review status: criteria provided, single submitter. Criteria: Invitae Variant Classification Sherloc (09022015). Collection method: clinical testing. Allele origin: germline.
Comment: This variant has not been reported in the literature in individuals with SELENON-related conditions. This variant is not present in population databases (ExAC no frequency). This sequence change affects an acceptor splice site in intron 4 of the SELENON gene. It is expected to disrupt RNA splicing and likely results in an absent or disrupted protein product. Donor and acceptor splice site variants typically lead to a loss of protein function (PMID: 16199547), and loss-of-function variants in SELENON are known to be pathogenic (PMID: 21131290, 21670436). In summary, the currently available evidence indicates that the variant is pathogenic, but additional data are needed to prove that conclusively. Therefore, this variant has been classified as Likely Pathogenic.

Literature cited by the submitters: PubMed 16199547; PubMed 21131290; PubMed 21670436.